The following is an entry in ClinVar:

NM_000146.4(FTL):c.-161C>G

Gene: FTL (ferritin light chain; plus strand). Cytogenetic location: 19q13.33.
Variant type: single nucleotide variant.
Coding change: c.-161C>G on transcript NM_000146.4 (MANE Select); 161 bases upstream of the start codon, C replaced by G.
Molecular consequence: 5 prime UTR variant.
Genome position (GRCh38, 1-based): chr19:48,965,347, C>G. VCF-style: chr19-48965347-C-G. GRCh37 (hg19) VCF-style: chr19-49468604-C-G.
Identifiers: ClinVar variation 1321316 (VCV001321316.3), dbSNP rs398124636, ClinGen allele CA2573054803.

ClinVar aggregate classification (germline): Pathogenic. Review status: criteria provided, single submitter (1 of 4 stars). 2 submissions from 2 submitters: Pathogenic (1). 1 of the submissions does not count toward it. Last evaluated 2021-09-28.

Conditions:
FTL-related disorders.
Hereditary hyperferritinemia with congenital cataracts. Also called: Hereditary hyperferritinemia cataract syndrome; Bonneau-Beaumont syndrome; HYPERFERRITINEMIA WITH OR WITHOUT CATARACT. Identifiers: Orphanet 163, MedGen C1833213, MONDO:0010952, OMIM 600886.

Submissions (2):

Blueprint Genetics
Classification: Pathogenic for FTL-related disorders. Last evaluated: 2021-09-28. Review status: criteria provided, single submitter. Criteria: ACMG Guidelines, 2015. Collection method: clinical testing. Allele origin: germline. Affected: yes. Observed: 1 variant allele.

Genesis Genoma Lab
Classification: Pathogenic for Hereditary hyperferritinemia with congenital cataracts. Last evaluated: 2021-11-12. Review status: no assertion criteria provided. Collection method: clinical testing. Allele origin: germline. Inheritance: Autosomal dominant inheritance. Affected: yes. Observed: 1 heterozygote. Not counted in ClinVar's aggregate classification.
Comment: This sequence change falls in the non-coding 5'UTR , Iron Responsive Element (IRE) loop of the FTL gene. Nucleotide alterations in the IRE loop abrogate IPR binding and subsequently deregulate FTL synthesis. This sequence change is located in the non-coding 5'UTR of the FTL gene, where a significant number of previously reported variants are found to associate with hyperferritinemia (PMID: 19800271, 7493028, 23421845, 10383191, 22881709, 9226182). This variant has been observed in individuals and families affected with hyperferritinemia and cataract syndrome (PMID: 15234655, 16406710). This variant is also known as Paris +39C>G in the literature. For these reasons, this variant has been classified as Pathogenic